The following is an entry in ClinVar:

NM_001368882.1(COL13A1):c.672G>C (p.Glu224Asp)

Gene: COL13A1 (collagen type XIII alpha 1 chain; plus strand). Cytogenetic location: 10q22.1.
Variant type: single nucleotide variant.
Coding change: c.672G>C on transcript NM_001368882.1 (MANE Select); coding-DNA position 672, G replaced by C.
Protein change: p.Glu224Asp; replaces glutamic acid 224 with aspartic acid.
Molecular consequence: missense variant.
Genome position (GRCh38, 1-based): chr10:69,895,564, G>C. VCF-style: chr10-69895564-G-C. GRCh37 (hg19) VCF-style: chr10-71655320-G-C.
Other names: c.645G>C, p.Glu215Asp (NM_001130103.2, NM_080800.4, NM_080801.4 and 1 more transcripts); c.672G>C, p.Glu224Asp (NM_001320951.2, NM_001368884.1); c.636G>C, p.Glu212Asp (NM_001368883.1, NM_001368885.1); c.72G>C, p.Glu24Asp (NM_001368886.1); c.582G>C, p.Glu194Asp (NM_001368895.1); c.531G>C, p.Glu177Asp (NM_001368896.1, NM_001368898.1, NM_080798.4); c.558G>C, p.Glu186Asp (NM_001368897.1, NM_080805.4); short protein forms E212D, E24D, E177D, E194D, E215D, E186D, E224D.
Identifiers: ClinVar variation 1512233 (VCV001512233.6), dbSNP rs749952829, ClinGen allele CA376932701.
Genomic context (GRCh38, chr10:69,895,564, plus strand): 5'-CCCAACAAGTGCCTAACACCACCTTTCCCTTCCCTCTCCTTCCCAGGGTCAGTGTGGAGA[G>C]TACCCACACCGGGTAAGTGAACCCCTAAAATTTAGCAGGGCACTTTGATCCATCCCTGGG-3'
Protein context (NP_001355811.1, residues 214-234): GQKGEKGQCG[Glu224Asp]YPHRLLPLLN

ClinVar aggregate classification (germline): Uncertain significance (1 of 4 stars; one submission).

Allele frequency attached by ClinVar (database versions not stated): TOPMed below 0.00001.
gnomAD v4.1: 1 of 1,613,970 alleles (0.000062%); highest among the groups gnomAD compares: Non-Finnish European, 0.000085%; no homozygotes.

Submission:

Labcorp Genetics (formerly Invitae), Labcorp
Classification: Uncertain significance. Last evaluated: 2023-04-24. Review status: criteria provided, single submitter. Criteria: Invitae Variant Classification Sherloc (09022015). Collection method: clinical testing. Allele origin: germline.
Comment: Algorithms developed to predict the effect of missense changes on protein structure and function output the following: SIFT: "Not Available"; PolyPhen-2: "Probably Damaging"; Align-GVGD: "Not Available". The aspartic acid amino acid residue is found in multiple mammalian species, which suggests that this missense change does not adversely affect protein function. In summary, the available evidence is currently insufficient to determine the role of this variant in disease. Therefore, it has been classified as a Variant of Uncertain Significance. ClinVar contains an entry for this variant (Variation ID: 1512233). This variant has not been reported in the literature in individuals affected with COL13A1-related conditions. This variant is not present in population databases (gnomAD no frequency). This sequence change replaces glutamic acid, which is acidic and polar, with aspartic acid, which is acidic and polar, at codon 215 of the COL13A1 protein (p.Glu215Asp).